The following is an entry in ClinVar:

ClinVar aggregate classification (germline): Uncertain significance (1 of 4 stars; one submission).

Conditions:
Hereditary cancer-predisposing syndrome. Also called: Neoplastic Syndromes, Hereditary; Hereditary Cancer Syndrome; Tumor predisposition; Hereditary neoplastic syndrome. Identifiers: Orphanet 140162, MedGen C0027672, MeSH D009386, MONDO:0015356.

Submission:

Ambry Genetics
Classification: Uncertain significance for Hereditary cancer-predisposing syndrome. Last evaluated: 2020-12-10. Review status: criteria provided, single submitter. Criteria: Ambry Variant Classification Scheme 2023. Collection method: clinical testing. Allele origin: germline.
Comment: The p.N3044I variant (also known as c.9131A>T), located in coding exon 62 of the ATM gene, results from an A to T substitution at nucleotide position 9131. The asparagine at codon 3044 is replaced by isoleucine, an amino acid with dissimilar properties. This amino acid position is highly conserved in available vertebrate species. In addition, this alteration is predicted to be deleterious by in silico analysis. Since supporting evidence is limited at this time, the clinical significance of this alteration remains unclear.

NM_000051.4(ATM):c.9131A>T (p.Asn3044Ile)

Genes: ATM (ATM serine/threonine kinase; plus strand), C11orf65 (chromosome 11 open reading frame 65; minus strand). Cytogenetic location: 11q22.3.
Variant type: single nucleotide variant.
Coding change: c.9131A>T on transcript NM_000051.4 (MANE Select); coding-DNA position 9131, A replaced by T.
Protein change: p.Asn3044Ile; replaces asparagine 3044 with isoleucine.
Molecular consequence: missense variant. On other transcripts: intron variant (2).
Genome position (GRCh38, 1-based): chr11:108,365,468, A>T. VCF-style: chr11-108365468-A-T. GRCh37 (hg19) VCF-style: chr11-108236195-A-T.
Other names: c.9131A>T, p.Asn3044Ile (NM_001351834.2); c.640+20452T>A (NM_001330368.2); c.694+20452T>A (NM_001351110.2); short protein forms N3044I.
Identifiers: ClinVar variation 478999 (VCV000478999.7), dbSNP rs1555152029, ClinGen allele CA382532074.